The following is an entry in ClinVar:

NM_182641.4(BPTF):c.1864+661A>G

Gene: BPTF (bromodomain PHD finger transcription factor; plus strand). Cytogenetic location: 17q24.2.
Variant type: single nucleotide variant.
Coding change: c.1864+661A>G on transcript NM_182641.4 (MANE Select); 661 bases into the intron after coding-DNA position 1864, A replaced by G.
Molecular consequence: intron variant. On other transcripts: missense variant (1).
Genome position (GRCh38, 1-based): chr17:67,875,681, A>G. VCF-style: chr17-67875681-A-G. GRCh37 (hg19) VCF-style: chr17-65871797-A-G.
Other names: c.1990A>G, p.Thr664Ala (NM_004459.7); short protein forms T664A.
Identifiers: ClinVar variation 2720856 (VCV002720856.3), dbSNP rs2510608774, ClinGen allele CA400715051.

ClinVar aggregate classification (germline): Uncertain significance (1 of 4 stars; one submission).

Allele frequency attached by ClinVar (database versions not stated): gnomAD exomes below 0.00001.
gnomAD v4.1: 1 of 1,606,630 alleles (0.000062%); highest among the groups gnomAD compares: Non-Finnish European, 0.000085%; no homozygotes.

Submission:

Labcorp Genetics (formerly Invitae), Labcorp
Classification: Uncertain significance. Last evaluated: 2023-07-03. Review status: criteria provided, single submitter. Criteria: Invitae Variant Classification Sherloc (09022015). Collection method: clinical testing. Allele origin: germline.
Comment: This sequence change replaces threonine, which is neutral and polar, with alanine, which is neutral and non-polar, at codon 664 of the BPTF protein (p.Thr664Ala). This variant is not present in population databases (gnomAD no frequency). This variant has not been reported in the literature in individuals affected with BPTF-related conditions. An algorithm developed to predict the effect of missense changes on protein structure and function (PolyPhen-2) suggests that this variant is likely to be tolerated. In summary, the available evidence is currently insufficient to determine the role of this variant in disease. Therefore, it has been classified as a Variant of Uncertain Significance.